The following is an entry in ClinVar:

NM_015330.6(SPECC1L):c.1481G>T (p.Arg494Leu)

Genes: SPECC1L (sperm antigen with calponin homology and coiled-coil domains 1 like; plus strand), SPECC1L-ADORA2A (SPECC1L-ADORA2A readthrough (NMD candidate); plus strand). Cytogenetic location: 22q11.23.
Variant type: single nucleotide variant.
Coding change: c.1481G>T on transcript NM_015330.6 (MANE Select); coding-DNA position 1481, G replaced by T.
Protein change: p.Arg494Leu; replaces arginine 494 with leucine.
Molecular consequence: missense variant. On other transcripts: non-coding transcript variant (1).
Genome position (GRCh38, 1-based): chr22:24,322,461, G>T. VCF-style: chr22-24322461-G-T. GRCh37 (hg19) VCF-style: chr22-24718429-G-T.
Other names: c.1481G>T, p.Arg494Leu (NM_001145468.4, NM_001254732.3); short protein forms R494L.
Identifiers: ClinVar variation 4823731 (VCV004823731.4).
Genomic context (GRCh38, chr22:24,322,461, plus strand): 5'-ACATTTCTTATGTCATAGATGAAGATGTAAAAAGTGGGCGCTATATGGAATTAGAGCAAC[G>T]TTACATGGACCTCGCTGAGAATGCCCGTTTTGAACGGGAGCAGCTTCTTGGTGTCCAGCA-3'
Protein context (NP_056145.5, residues 484-504): KSGRYMELEQ[Arg494Leu]YMDLAENARF

ClinVar aggregate classification (germline): Uncertain significance (1 of 4 stars; one submission).

gnomAD v4.1: 1 of 1,614,118 alleles (0.000062%); highest among the groups gnomAD compares: Non-Finnish European, 0.000085%; no homozygotes.

Submission:

CeGaT Center for Human Genetics Tuebingen
Classification: Uncertain significance. Last evaluated: 2026-03-01. Review status: criteria provided, single submitter. Criteria: CeGaT Center For Human Genetics Tuebingen Variant Classification Criteria Version 2. Collection method: clinical testing. Allele origin: germline. Affected: yes. Observed: 1 variant allele.
Comment: SPECC1L: PM2